The following is an entry in ClinVar:

NM_005560.6(LAMA5):c.6426C>T (p.Cys2142=)

Gene: LAMA5 (laminin subunit alpha 5; minus strand). Cytogenetic location: 20q13.33.
Variant type: single nucleotide variant.
Coding change: c.6426C>T on transcript NM_005560.6 (MANE Select); coding-DNA position 6426, C replaced by T.
Protein change: p.Cys2142=; no amino-acid change (cysteine 2142 retained).
Molecular consequence: synonymous variant.
Genome position (GRCh38, 1-based): chr20:62,322,089, G>A on the plus strand (C>T on the coding strand, the complement: LAMA5 is on the minus strand). VCF-style: chr20-62322089-G-A. GRCh37 (hg19) VCF-style: chr20-60897145-G-A.
Identifiers: ClinVar variation 3388738 (VCV003388738.16).

ClinVar aggregate classification (germline): Likely benign. Review status: criteria provided, multiple submitters, no conflicts (2 of 4 stars). 2 submissions from 2 submitters: Likely benign (2). Last evaluated 2025-06-12.

gnomAD v4.1: 98 of 1,601,690 alleles (0.0061%); highest among the groups gnomAD compares: African/African-American, 0.035%; no homozygotes.

Submissions (2):

Labcorp Genetics (formerly Invitae), Labcorp
Classification: Likely benign. Last evaluated: 2025-06-12. Review status: criteria provided, single submitter. Criteria: Invitae Variant Classification Sherloc (09022015). Collection method: clinical testing. Allele origin: germline.

CeGaT Center for Human Genetics Tuebingen
Classification: Likely benign. Last evaluated: 2024-10-01. Review status: criteria provided, single submitter. Criteria: CeGaT Center For Human Genetics Tuebingen Variant Classification Criteria Version 2. Collection method: clinical testing. Allele origin: germline. Affected: yes. Observed: 1 variant allele.
Comment: LAMA5: BP4, BP7